The following is an entry in ClinVar:

ClinVar aggregate classification (germline): Uncertain significance (1 of 4 stars; one submission).

Conditions:
Inborn genetic diseases. Identifiers: MedGen C0950123, MeSH D030342.

Submission:

Ambry Genetics
Classification: Uncertain significance for Inborn genetic diseases. Last evaluated: 2025-12-15. Review status: criteria provided, single submitter. Criteria: Ambry Variant Classification Scheme 2023. Collection method: clinical testing. Allele origin: germline.
Comment: The p.Q1524E variant (also known as c.4570C>G), located in coding exon 1 of the SAMD9 gene, results from a C to G substitution at nucleotide position 4570. The glutamine at codon 1524 is replaced by glutamic acid, an amino acid with highly similar properties. This amino acid position is conserved. In addition, this alteration is predicted to be tolerated by in silico analysis. Based on the available evidence, the clinical significance of this variant remains unclear.

NM_017654.4(SAMD9):c.4570C>G (p.Gln1524Glu)

Gene: SAMD9 (sterile alpha motif domain containing 9; minus strand). Cytogenetic location: 7q21.2.
Variant type: single nucleotide variant.
Coding change: c.4570C>G on transcript NM_017654.4 (MANE Select); coding-DNA position 4570, C replaced by G.
Protein change: p.Gln1524Glu; replaces glutamine 1524 with glutamic acid.
Molecular consequence: missense variant.
Genome position (GRCh38, 1-based): chr7:93,101,528, G>C on the plus strand (C>G on the coding strand, the complement: SAMD9 is on the minus strand). VCF-style: chr7-93101528-G-C. GRCh37 (hg19) VCF-style: chr7-92730841-G-C.
Other names: c.4570C>G, p.Gln1524Glu (NM_001193307.2); short protein forms Q1524E.
Identifiers: ClinVar variation 4843105 (VCV004843105.1).
Genomic context (GRCh38, chr7:93,101,528, plus strand): 5'-CATATTCTATATATAAACAATTGTTTTCAGCTCGACCTTGTAAACGAAGCAAAAGTTCTT[G>C]GACTTTTTCCTCCTTCCACACATCTCCACTCTGCCACAAGGAATTAATATCTGGTGTCTT-3'
Protein context (NP_060124.2, residues 1514-1534): SGDVWKEEKV[Gln1524Glu]ELLLRLQGRA